The following is an entry in ClinVar:

NM_000540.3(RYR1):c.325C>T (p.Arg109Trp)

Gene: RYR1 (ryanodine receptor 1; plus strand). Cytogenetic location: 19q13.2.
Variant type: single nucleotide variant.
Coding change: c.325C>T on transcript NM_000540.3 (MANE Select); coding-DNA position 325, C replaced by T.
Protein change: p.Arg109Trp; replaces arginine 109 with tryptophan.
Molecular consequence: missense variant.
Genome position (GRCh38, 1-based): chr19:38,443,612, C>T. VCF-style: chr19-38443612-C-T. GRCh37 (hg19) VCF-style: chr19-38934252-C-T.
Other names: c.325C>T, p.Arg109Trp (NM_001042723.2); short protein forms R109W.
Identifiers: ClinVar variation 12988 (VCV000012988.82), dbSNP rs118192173, ClinGen allele CA024392.

ClinVar aggregate classification (germline): Conflicting classifications of pathogenicity. Review status: criteria provided, conflicting classifications (1 of 4 stars). 21 submissions from 21 submitters: Pathogenic (11); Likely pathogenic (5); Uncertain significance (2). 3 of the submissions do not count toward it. Last evaluated 2026-01-11.

Conditions:
King Denborough syndrome (KDS). Identifiers: MedGen C1840365, MONDO:0020485, OMIM 619542.
Malignant hyperthermia, susceptibility to, 1 (MHS1). Also called: Malignant hyperthermia suceptibility 1; RYR1-Related Malignant Hyperthermia Susceptibility; Anesthesia related hyperthermia; Malignant hyperpyrexia; Fulminating hyperpyrexia; Pharmacogenic myopathy. Identifiers: Orphanet 423, MedGen C2930980, MONDO:0007783, OMIM 145600.
Central core myopathy (CMYO1A). Also called: CONGENITAL MYOPATHY 1A, AUTOSOMAL DOMINANT, WITH SUSCEPTIBILITY TO MALIGNANT HYPERTHERMIA; Central core disease; Myopathy, central fibrillar. Identifiers: Orphanet 597, MedGen C5830701, MONDO:0007294, OMIM 117000.
Congenital multicore myopathy with external ophthalmoplegia (CMYO1B). Also called: Congenital myopathy 1B, autosomal recessive; Minicore myopathy; MULTIMINICORE DISEASE WITH EXTERNAL OPHTHALMOPLEGIA; MULTICORE MYOPATHY; Minicore myopathy with external ophthalmoplegia. Identifiers: Orphanet 598, Orphanet 98905, MedGen C1850674, MONDO:0009712, OMIM 255320, HP:0003789.
RYR1-related disorder. Also called: RYR1-related disorders; RYR1-related condition. Identifiers: MedGen CN239331.
Charcot-Marie-Tooth, Intermediate.
Centronuclear myopathy (CNM). Also called: Centronuclear myopathy, congenital; Myotubular myopathy. Identifiers: Orphanet 595, MedGen C0175709, MONDO:0018947. Inheritance: All.
Congenital myopathy with fiber type disproportion. Also called: Congenital fiber-type disproportion; Congenital fiber-type disproportion myopathy. Identifiers: Orphanet 2020, MedGen C0546264, MONDO:0009711. Inheritance: all.

Allele frequency attached by ClinVar (database versions not stated): TOPMed 0.00003; gnomAD 0.00005 and 0.00006; gnomAD exomes 0.00005 and 0.00008; ExAC 0.00011; 1000 Genomes Project 30x 0.00016; 1000 Genomes Project 0.00020.
gnomAD v4.1: 77 of 1,614,100 alleles (0.0048%); highest among the groups gnomAD compares: Non-Finnish European, 0.0058%; no homozygotes.

Submissions 1 to 10 of 21:

Labcorp Genetics (formerly Invitae), Labcorp
Classification: Pathogenic for RYR1-related disorder. Last evaluated: 2026-01-11. Review status: criteria provided, single submitter. Criteria: Invitae Variant Classification Sherloc (09022015). Collection method: clinical testing. Allele origin: germline.
Comment: This sequence change replaces arginine, which is basic and polar, with tryptophan, which is neutral and slightly polar, at codon 109 of the RYR1 protein (p.Arg109Trp). This variant is present in population databases (rs118192173, gnomAD 0.01%). This missense change has been observed in individual(s) with autosomal recessive congenital myopathy (PMID: 23826317, 28357410; internal data). In at least one individual the data is consistent with being in trans (on the opposite chromosome) from a pathogenic variant. It has also been observed to segregate with disease in related individuals. ClinVar contains an entry for this variant (Variation ID: 12988). Invitae Evidence Modeling of protein sequence and biophysical properties (such as structural, functional, and spatial information, amino acid conservation, physicochemical variation, residue mobility, and thermodynamic stability) has been performed for this missense variant. However, the output from this modeling did not meet the statistical confidence thresholds required to predict the impact of this variant on RYR1 protein function. Experimental studies have shown that this missense change affects RYR1 function (PMID: 18171678). For these reasons, this variant has been classified as Pathogenic.

Department of Pathophysiology and Transplantation, IRCCS Foundation Ca' Granda Ospedale Maggiore Policlinico
Classification: Pathogenic. Last evaluated: 2025-11-19. Review status: criteria provided, single submitter. Criteria: ACMG Guidelines, 2015. Collection method: research. Allele origin: germline. Affected: yes. Observed: 1 variant allele.
Comment: The NM_000540.3: c.325C>T (coding exon 4) is a missense variant in RYR1, which results in the protein change p.Arg109Trp, located in the NTD-A mutational hotspot, important region involved in the stabilization of MIR folding domain. The variant was identified in heterozigous state, in combination with an other heterozigous variant c.13622del. We could not perform the segregation analysis. Western blot and immunofluorescent studies revealed the halving of RyR1 and DHPR protein level and a peculiar aggregation of DHPR in some fibres. The ultrastructural analysis showed core areas of variable size, irregular network of myofilaments and Z-line thickening. This variant was previously reported as associated with CCD. It is a rare molecular defects (gnomAD MAF <1%) and meets criteria ACMG/AMP to be classified as Pathogenic: PS3-PM3-PP3 (moderate)-PM2-PM5-PP2 -PP1.

Dasa
Classification: Uncertain significance. Last evaluated: 2025-08-13. Review status: criteria provided, single submitter. Criteria: DASA Assertion Criteria. Collection method: clinical testing. Allele origin: germline.
Comment: NM_000540.3(RYR1):c.325C>T (p.Arg109Trp) is a missense variant that results in the substitution of arginine with tryptophan. Functional evidence supports an impact on the gene or gene product. Also, this variant is rare in population databases. Computational prediction algorithms are consistent with a deleterious effect. The currently available literature and clinical evidence are not sufficient to establish a definitive association between this variant and the reported condition. Therefore, this variant is classified as a variant of uncertain significance.

3billion
Classification: Pathogenic for Congenital multicore myopathy with external ophthalmoplegia. Last evaluated: 2025-03-27. Review status: criteria provided, single submitter. Criteria: ACMG Guidelines, 2015. Collection method: clinical testing. Allele origin: germline. Affected: yes.
Comment: The variant is observed at an extremely low frequency in the gnomAD v4.1.0 dataset (total allele frequency: 0.005%). Predicted Consequence/Location: The variant is located in a mutational hot spot and/or well-established functional domain in which established pathogenic variants have been reported (PMID: 33767344). In silico tool predictions suggest damaging effect of the variant on gene or gene product [REVEL: 0.92 (>=0.6, sensitivity 0.68 and specificity 0.92)]. he same nucleotide change resulting in the same amino acid change has been previously reported as pathogenic/likely pathogenic with strong evidence (ClinVar ID: VCV000012988 / PMID: 16940308). A different missense change at the same codon (p.Arg109Gln) has been reported to be associated with RYR1-related disorder (ClinVar ID: VCV000634440). Therefore, this variant is classified as Pathogenic according to the recommendation of ACMG/AMP guideline.

PreventionGenetics, part of Exact Sciences
Classification: Pathogenic for RYR1-related condition. Last evaluated: 2025-02-07. Review status: criteria provided, single submitter. Criteria: ACMG Guidelines, 2015. Collection method: clinical testing. Allele origin: germline.
Comment: The RYR1 c.325C>T variant is predicted to result in the amino acid substitution p.Arg109Trp. This variant has been reported in the compound heterozygous state with another disease-causing RYR1 variant in multiple individuals with autosomal recessive minicore myopathy with external ophthalmoplegia (Klein et al. 2012. PubMed ID: 22473935; Witting et al. 2017. PubMed ID: 28357410; Matthews et al. 2018. PubMed ID: 29298851; Natera-de Benito et al. 2021. PubMed ID: 33333461; Lester et al. 2023. PubMed ID: 36669590). In vitro studies suggest that this variant negatively impacts RYR1 channel function (Kushnir et al. 2020. PubMed ID: 32236737). This variant is reported in 0.012% of alleles in individuals of European (non-Finnish) descent in gnomAD and has been classified as pathogenic or likely pathogenic by multiple independent submitters to the ClinVar database. Taken together, this variant is interpreted as pathogenic.

Color Diagnostics, LLC DBA Color Health
Classification: Uncertain significance for Malignant hyperthermia, susceptibility to, 1. Last evaluated: 2024-05-20. Review status: criteria provided, single submitter. Criteria: ACMG Guidelines, 2015. Collection method: clinical testing. Allele origin: germline.
Comment: This missense variant replaces arginine with tryptophan at codon 109 of the RYR1 protein. Computational prediction suggests that this variant may have deleterious impact on protein structure and function. To our knowledge, functional studies have not been reported for this variant. This variant has not been reported in individuals affected with autosomal dominant malignant hyperthermia in the literature, although it is associated with other phenotype(s) (ClinVar Variation ID: 12988). This variant has been identified in 22/282604 chromosomes in the general population by the Genome Aggregation Database (gnomAD). Due to insufficient evidence, this variant is classified as a Variant of Uncertain Significance for autosomal dominant malignant hyperthermia.

Fulgent Genetics
Classification: Pathogenic for Central core myopathy; Malignant hyperthermia, susceptibility to, 1; Congenital multicore myopathy with external ophthalmoplegia; King Denborough syndrome. Last evaluated: 2024-04-23. Review status: criteria provided, single submitter. Criteria: ACMG Guidelines, 2015. Collection method: clinical testing. Allele origin: germline.

Genomic Medicine Center of Excellence, King Faisal Specialist Hospital and Research Centre
Classification: Pathogenic for Central core myopathy. Last evaluated: 2024-03-29. Review status: criteria provided, single submitter. Criteria: ACMG Guidelines, 2015. Collection method: clinical testing. Allele origin: germline.

Muscle and Diseases Team, Institut de Génétique et Biologie Moléculaire et Cellulaire
Classification: Pathogenic for Centronuclear myopathy. Last evaluated: 2024-03-01. Review status: criteria provided, single submitter. Criteria: ACMG Guidelines, 2015. Collection method: research. Allele origin: maternal. Affected: yes. Observed: 2 variant alleles.
Comment: PM3_Strong+PM2+PM5+PP1+PP2+PP3

Revvity Omics, Revvity
Classification: Pathogenic. Last evaluated: 2023-12-15. Review status: criteria provided, single submitter. Criteria: ACMG Guidelines, 2015. Collection method: clinical testing. Allele origin: germline.